The following is an entry in ClinVar:

ClinVar aggregate classification (germline): Uncertain significance (1 of 4 stars; one submission).

Submission:

GeneDx
Classification: Uncertain significance. Last evaluated: 2026-06-25. Review status: criteria provided, single submitter. Criteria: GeneDx Variant Classification Process June 2021. Collection method: clinical testing. Allele origin: germline.
Comment: Not observed at significant frequency in large population cohorts (gnomAD); In silico analysis supports a deleterious effect on protein structure/function; Has not been previously published as pathogenic or benign to our knowledge

NM_014975.3(MAST1):c.3313_3314delinsAA (p.Leu1105Lys)

Gene: MAST1 (microtubule associated serine/threonine kinase 1; plus strand). Cytogenetic location: 19p13.13.
Variant type: Indel.
Coding change: c.3313_3314delinsAA on transcript NM_014975.3 (MANE Select); coding-DNA positions 3313 to 3314, CT replaced by AA.
Protein change: p.Leu1105Lys; replaces leucine 1105 with lysine.
Molecular consequence: missense variant.
Genome position (GRCh38, 1-based): chr19:12,873,373-12,873,374, CT replaced by AA. VCF-style: chr19-12873373-CT-AA. GRCh37 (hg19) VCF-style: chr19-12984187-CT-AA.
Other names: short protein forms L1105K.
Identifiers: ClinVar variation 2501850 (VCV002501850.2), dbSNP rs2512544344, ClinGen allele CA2580613063.